The following is an entry in ClinVar:

NM_014324.6(AMACR):c.820G>A (p.Val274Ile)

Genes: AMACR (alpha-methylacyl-CoA racemase; minus strand), C1QTNF3-AMACR (C1QTNF3-AMACR readthrough (NMD candidate); minus strand). Cytogenetic location: 5p13.2.
Variant type: single nucleotide variant.
Coding change: c.820G>A on transcript NM_014324.6 (MANE Select); coding-DNA position 820, G replaced by A.
Protein change: p.Val274Ile; replaces valine 274 with isoleucine.
Molecular consequence: missense variant. On other transcripts: non-coding transcript variant (1), 3 prime UTR variant (1).
Genome position (GRCh38, 1-based): chr5:33,989,422, C>T on the plus strand (G>A on the coding strand, the complement: AMACR is on the minus strand). VCF-style: chr5-33989422-C-T. GRCh37 (hg19) VCF-style: chr5-33989527-C-T.
Other names: c.820G>A, p.Val274Ile (NM_001167595.2); c.*62G>A (NM_203382.3); short protein forms V274I.
Identifiers: ClinVar variation 1420387 (VCV001420387.6), dbSNP rs769669689, ClinGen allele CA359399239.

ClinVar aggregate classification (germline): Uncertain significance (1 of 4 stars; one submission).

Conditions:
Alpha-methylacyl-CoA racemase deficiency (AMACRD). Also called: AMACR deficiency. Identifiers: Orphanet 79095, MedGen C3280428, MONDO:0013681, OMIM 614307. Disease mechanism: loss of function.

Submission:

Labcorp Genetics (formerly Invitae), Labcorp
Classification: Uncertain significance for Alpha-methylacyl-CoA racemase deficiency. Last evaluated: 2022-07-19. Review status: criteria provided, single submitter. Criteria: Invitae Variant Classification Sherloc (09022015). Collection method: clinical testing. Allele origin: germline.
Comment: This variant has not been reported in the literature in individuals affected with AMACR-related conditions. In summary, the available evidence is currently insufficient to determine the role of this variant in disease. Therefore, it has been classified as a Variant of Uncertain Significance. Algorithms developed to predict the effect of missense changes on protein structure and function output the following: SIFT: "Tolerated"; PolyPhen-2: "Benign"; Align-GVGD: "Class C0". The isoleucine amino acid residue is found in multiple mammalian species, which suggests that this missense change does not adversely affect protein function. ClinVar contains an entry for this variant (Variation ID: 1420387). This variant is not present in population databases (gnomAD no frequency). This sequence change replaces valine, which is neutral and non-polar, with isoleucine, which is neutral and non-polar, at codon 274 of the AMACR protein (p.Val274Ile).